The following is an entry in ClinVar:

ClinVar aggregate classification (germline): Benign (1 of 4 stars; one submission).

Conditions:
Leigh syndrome (NULS). Also called: Leigh's necrotizing encephalopathy; Leigh's disease; Leigh Syndrome (mtDNA deletion); Leigh Disease; Subacute necrotizing encephalopathy; Necrotizing encephalopathy infantile subacute of Leigh. Identifiers: Orphanet 506, MedGen C2931891, MONDO:0009723, OMIM 256000.

Submission:

Wong Mito Lab, Molecular and Human Genetics, Baylor College of Medicine
Classification: Benign for Leigh syndrome. Last evaluated: 2019-10-17. Review status: criteria provided, single submitter. Criteria: Modified ACMG Guidelines (Unpublished). Collection method: clinical testing. Allele origin: germline.
Comment: The NC_012920.1:m.5979G>A (YP_003024028.1:p.Ala26Thr) variant in MTCO1 gene is interpretated to be a Benign variant based on the modified ACMG guidelines (unpublished). This variant meets the following evidence codes: BS1, BS2

NC_012920.1(MT-CO1):m.5979G>A

Gene: MT-CO1 (mitochondrially encoded cytochrome c oxidase I; plus strand).
Variant type: single nucleotide variant.
Genome position: chrM-5979-G-A.
Identifiers: ClinVar variation 692604 (VCV000692604.1), dbSNP rs1556423060, ClinGen allele CA414781095.